The following is an entry in ClinVar:

ClinVar aggregate classification (germline): Uncertain significance (1 of 4 stars; one submission).

Submission:

Ambry Genetics
Classification: Uncertain significance. Last evaluated: 2026-04-13. Review status: criteria provided, single submitter. Criteria: Ambry Variant Classification Scheme 2023. Collection method: clinical testing. Allele origin: germline.
Comment: The p.L32F variant (also known as c.96G>C), located in coding exon 2 of the RPS20 gene, results from a G to C substitution at nucleotide position 96. The leucine at codon 32 is replaced by phenylalanine, an amino acid with highly similar properties. This amino acid position is highly conserved in available vertebrate species. In addition, this alteration is predicted to be deleterious by in silico analysis. Based on the available evidence, the clinical significance of this variant remains unclear.

NM_001023.4(RPS20):c.96G>C (p.Leu32Phe)

Gene: RPS20 (ribosomal protein S20; minus strand). Cytogenetic location: 8q12.1.
Variant type: single nucleotide variant.
Coding change: c.96G>C on transcript NM_001023.4 (MANE Select); coding-DNA position 96, G replaced by C.
Protein change: p.Leu32Phe; replaces leucine 32 with phenylalanine.
Molecular consequence: missense variant.
Genome position (GRCh38, 1-based): chr8:56,074,067, C>G on the plus strand (G>C on the coding strand, the complement: RPS20 is on the minus strand). VCF-style: chr8-56074067-C-G. GRCh37 (hg19) VCF-style: chr8-56986626-C-G.
Other names: c.96G>C, p.Leu32Phe (NM_001146227.3); short protein forms L32F.
Identifiers: ClinVar variation 4863488 (VCV004863488.1).